The following is an entry in ClinVar:

NM_153614.4(DNAJB13):c.425G>A (p.Arg142Gln)

Gene: DNAJB13 (DnaJ heat shock protein family (Hsp40) member B13; plus strand). Cytogenetic location: 11q13.4.
Variant type: single nucleotide variant.
Coding change: c.425G>A on transcript NM_153614.4 (MANE Select); coding-DNA position 425, G replaced by A.
Protein change: p.Arg142Gln; replaces arginine 142 with glutamine.
Molecular consequence: missense variant.
Genome position (GRCh38, 1-based): chr11:73,964,968, G>A. VCF-style: chr11-73964968-G-A. GRCh37 (hg19) VCF-style: chr11-73676013-G-A.
Other names: c.251G>A, p.Arg84Gln (NM_001377263.1); short protein forms R142Q, R84Q.
Identifiers: ClinVar variation 2973864 (VCV002973864.2), dbSNP rs144947558, ClinGen allele CA6180764.
Genomic context (GRCh38, chr11:73,964,968, plus strand): 5'-ATTTGAACTTTGGGGGGCTCCAGGGCCGAGGGGTCAAGAAGCAGGACCCCCAAGTCGAAC[G>A]GGATCTCTACCTGTCCCTGGAGGACTTATTCTTTGGCTGCACCAAAAAAATTAAGATCTC-3'
Protein context (NP_705842.2, residues 132-152): GVKKQDPQVE[Arg142Gln]DLYLSLEDLF

ClinVar aggregate classification (germline): Uncertain significance. Review status: criteria provided, multiple submitters, no conflicts (2 of 4 stars). 2 submissions from 2 submitters: Uncertain significance (2). Last evaluated 2024-09-30.

Allele frequency attached by ClinVar (database versions not stated): ExAC 0.00002; gnomAD exomes 0.00002; gnomAD 0.00003; ESP Exome Variant Server 0.00023.
gnomAD v4.1: 38 of 1,613,016 alleles (0.0024%); highest among the groups gnomAD compares: African/African-American, 0.011%; no homozygotes.

Submissions (2):

Blueprint Genetics
Classification: Uncertain significance. Last evaluated: 2024-09-30. Review status: criteria provided, single submitter. Criteria: ACMG Guidelines, 2015. Collection method: clinical testing. Allele origin: germline.

Labcorp Genetics (formerly Invitae), Labcorp
Classification: Uncertain significance. Last evaluated: 2023-10-27. Review status: criteria provided, single submitter. Criteria: Invitae Variant Classification Sherloc (09022015). Collection method: clinical testing. Allele origin: germline.
Comment: This sequence change replaces arginine, which is basic and polar, with glutamine, which is neutral and polar, at codon 142 of the DNAJB13 protein (p.Arg142Gln). This variant is present in population databases (rs144947558, gnomAD 0.01%). This variant has not been reported in the literature in individuals affected with DNAJB13-related conditions. Advanced modeling of protein sequence and biophysical properties (such as structural, functional, and spatial information, amino acid conservation, physicochemical variation, residue mobility, and thermodynamic stability) performed at Invitae indicates that this missense variant is not expected to disrupt DNAJB13 protein function with a negative predictive value of 80%. In summary, the available evidence is currently insufficient to determine the role of this variant in disease. Therefore, it has been classified as a Variant of Uncertain Significance.